The following is an entry in ClinVar:

NM_021922.3(FANCE):c.9A>C (p.Thr3=)

Genes: FANCE (FA complementation group E; plus strand), LOC129996245 (ATAC-STARR-seq lymphoblastoid silent region 17092; plus strand). Cytogenetic location: 6p21.31.
Variant type: single nucleotide variant.
Coding change: c.9A>C on transcript NM_021922.3 (MANE Select); coding-DNA position 9, A replaced by C.
Protein change: p.Thr3=; no amino-acid change (threonine 3 retained).
Molecular consequence: synonymous variant.
Genome position (GRCh38, 1-based): chr6:35,452,554, A>C. VCF-style: chr6-35452554-A-C. GRCh37 (hg19) VCF-style: chr6-35420331-A-C.
Identifiers: ClinVar variation 929568 (VCV000929568.1), dbSNP rs11759425, ClinGen allele CA137292194.

ClinVar aggregate classification (germline): Uncertain significance (0 of 4 stars; one submission).

Submission:

Leiden Open Variation Database
Classification: Uncertain significance. Last evaluated: 2011-02-07. Review status: no assertion criteria provided. Collection method: curation. Allele origin: germline. Affected: yes.
Comment: Curator: Arleen D. Auerbach. Submitter to LOVD: Arleen D. Auerbach.